The following is an entry in ClinVar:

ClinVar aggregate classification (germline): Uncertain significance (1 of 4 stars; one submission).

Conditions:
Hereditary cancer-predisposing syndrome. Also called: Neoplastic Syndromes, Hereditary; Tumor predisposition; Hereditary Cancer Syndrome; Hereditary neoplastic syndrome. Identifiers: Orphanet 140162, MedGen C0027672, MeSH D009386, MONDO:0015356.

Submission:

Ambry Genetics
Classification: Uncertain significance for Hereditary cancer-predisposing syndrome. Last evaluated: 2020-02-28. Review status: criteria provided, single submitter. Criteria: Ambry Variant Classification Scheme 2023. Collection method: clinical testing. Allele origin: germline.
Comment: The p.C213Y variant (also known as c.638G>A), located in coding exon 4 of the RAD51C gene, results from a G to A substitution at nucleotide position 638. The cysteine at codon 213 is replaced by tyrosine, an amino acid with highly dissimilar properties. This amino acid position is highly conserved in available vertebrate species. In addition, this alteration is predicted to be deleterious by in silico analysis. Since supporting evidence is limited at this time, the clinical significance of this alteration remains unclear.

NM_058216.3(RAD51C):c.638G>A (p.Cys213Tyr)

Genes: RAD51C (RAD51 paralog C; plus strand), LOC129390903 (MPRA-validated peak2919 silencer; plus strand). Cytogenetic location: 17q22.
Variant type: single nucleotide variant.
Coding change: c.638G>A on transcript NM_058216.3 (MANE Select); coding-DNA position 638, G replaced by A.
Protein change: p.Cys213Tyr; replaces cysteine 213 with tyrosine.
Molecular consequence: missense variant. On other transcripts: non-coding transcript variant (1).
Genome position (GRCh38, 1-based): chr17:58,703,262, G>A. VCF-style: chr17-58703262-G-A. GRCh37 (hg19) VCF-style: chr17-56780623-G-A.
Other names: c.*66G>A (NM_058217.1); short protein forms C213Y.
Identifiers: ClinVar variation 1753225 (VCV001753225.2), dbSNP rs2143798852, ClinGen allele CA400349524.